The following is an entry in ClinVar:

ClinVar aggregate classification (germline): Uncertain significance (1 of 4 stars; one submission).

Submission:

Labcorp Genetics (formerly Invitae), Labcorp
Classification: Uncertain significance. Last evaluated: 2025-08-18. Review status: criteria provided, single submitter. Criteria: Invitae Variant Classification Sherloc (09022015). Collection method: clinical testing. Allele origin: germline.
Comment: This sequence change replaces threonine, which is neutral and polar, with alanine, which is neutral and non-polar, at codon 1155 of the MYH9 protein (p.Thr1155Ala). This variant is not present in population databases (gnomAD no frequency). This missense change has been observed in individual(s) with clinical features of MYH9-related disorders (PMID: 18059020, 22558294). Invitae Evidence Modeling of protein sequence and biophysical properties (such as structural, functional, and spatial information, amino acid conservation, physicochemical variation, residue mobility, and thermodynamic stability) indicates that this missense variant is not expected to disrupt MYH9 protein function with a negative predictive value of 95%. This variant disrupts the p.Thr1155 amino acid residue in MYH9. Other variant(s) that disrupt this residue have been determined to be pathogenic (PMID: 10973260, 12792306; internal data). This suggests that this residue is clinically significant, and that variants that disrupt this residue are likely to be disease-causing. In summary, the available evidence is currently insufficient to determine the role of this variant in disease. Therefore, it has been classified as a Variant of Uncertain Significance.

Literature cited by the submitters: PubMed 18059020; PubMed 22558294; PubMed 10973260; PubMed 12792306.

NM_002473.6(MYH9):c.3463A>G (p.Thr1155Ala)

Gene: MYH9 (myosin heavy chain 9; minus strand). Cytogenetic location: 22q12.3.
Variant type: single nucleotide variant.
Coding change: c.3463A>G on transcript NM_002473.6 (MANE Select); coding-DNA position 3463, A replaced by G.
Protein change: p.Thr1155Ala; replaces threonine 1155 with alanine.
Molecular consequence: missense variant.
Genome position (GRCh38, 1-based): chr22:36,295,527, T>C on the plus strand (A>G on the coding strand, the complement: MYH9 is on the minus strand). VCF-style: chr22-36295527-T-C. GRCh37 (hg19) VCF-style: chr22-36691573-T-C.
Other names: short protein forms T1155A.
Identifiers: ClinVar variation 4710622 (VCV004710622.1).